The following is an entry in ClinVar:

NM_001035.3(RYR2):c.11228C>A (p.Thr3743Lys)

Gene: RYR2 (ryanodine receptor 2; plus strand). Cytogenetic location: 1q43.
Variant type: single nucleotide variant.
Coding change: c.11228C>A on transcript NM_001035.3 (MANE Select); coding-DNA position 11228, C replaced by A.
Protein change: p.Thr3743Lys; replaces threonine 3743 with lysine.
Molecular consequence: missense variant.
Genome position (GRCh38, 1-based): chr1:237,756,370, C>A. VCF-style: chr1-237756370-C-A. GRCh37 (hg19) VCF-style: chr1-237919670-C-A.
Other names: short protein forms T3743K.
Identifiers: ClinVar variation 3633826 (VCV003633826.2).
Genomic context (GRCh38, chr1:237,756,370, plus strand): 5'-AGCTTCTATACCAGCAAGCCCGACTCCACGATCGTGGCGCGGCTGAGATGGTGCTACAGA[C>A]AATCAGTGCCAGCAAAGGTAAGGTTCCTTGAGTTCCCCTCACGAGTGTCTGTTCTTCAGA-3'
Protein context (NP_001026.2, residues 3733-3753): DRGAAEMVLQ[Thr3743Lys]ISASKGETGP

ClinVar aggregate classification (germline): Uncertain significance (1 of 4 stars; one submission).

Conditions:
Catecholaminergic polymorphic ventricular tachycardia 1. Also called: VENTRICULAR TACHYCARDIA, CATECHOLAMINERGIC POLYMORPHIC, 1, WITH OR WITHOUT ATRIAL DYSFUNCTION AND/OR DILATED CARDIOMYOPATHY; RYR2-Related Catecholaminergic Polymorphic Ventricular Tachycardia; VENTRICULAR TACHYCARDIA, STRESS-INDUCED POLYMORPHIC 1. Identifiers: Orphanet 3286, MedGen C1631597, MONDO:0011484, OMIM 604772.

Submission:

Labcorp Genetics (formerly Invitae), Labcorp
Classification: Uncertain significance for Catecholaminergic polymorphic ventricular tachycardia 1. Last evaluated: 2024-07-26. Review status: criteria provided, single submitter. Criteria: Invitae Variant Classification Sherloc (09022015). Collection method: clinical testing. Allele origin: germline.
Comment: This sequence change replaces threonine, which is neutral and polar, with lysine, which is basic and polar, at codon 3743 of the RYR2 protein (p.Thr3743Lys). This variant is not present in population databases (gnomAD no frequency). This variant has not been reported in the literature in individuals affected with RYR2-related conditions. Advanced modeling of protein sequence and biophysical properties (such as structural, functional, and spatial information, amino acid conservation, physicochemical variation, residue mobility, and thermodynamic stability) performed at Invitae indicates that this missense variant is not expected to disrupt RYR2 protein function with a negative predictive value of 95%. In summary, the available evidence is currently insufficient to determine the role of this variant in disease. Therefore, it has been classified as a Variant of Uncertain Significance.